The following is an entry in ClinVar:

ClinVar aggregate classification (germline): Uncertain significance (1 of 4 stars; one submission).

Allele frequency attached by ClinVar (database versions not stated): ExAC 0.00003; TOPMed 0.00005; gnomAD 0.00006; gnomAD exomes 0.00007; ESP Exome Variant Server 0.00008.
gnomAD v4.1: 116 of 1,613,326 alleles (0.0072%); highest among the groups gnomAD compares: Non-Finnish European, 0.0092%; no homozygotes.

Submission:

Labcorp Genetics (formerly Invitae), Labcorp
Classification: Uncertain significance. Last evaluated: 2022-08-05. Review status: criteria provided, single submitter. Criteria: Invitae Variant Classification Sherloc (09022015). Collection method: clinical testing. Allele origin: germline.
Comment: This sequence change replaces lysine, which is basic and polar, with arginine, which is basic and polar, at codon 2603 of the DMXL2 protein (p.Lys2603Arg). This variant is present in population databases (rs376727318, gnomAD 0.008%). This variant has not been reported in the literature in individuals affected with DMXL2-related conditions. Algorithms developed to predict the effect of missense changes on protein structure and function are either unavailable or do not agree on the potential impact of this missense change (SIFT: "Tolerated"; PolyPhen-2: "Possibly Damaging"; Align-GVGD: "Class C0"). Algorithms developed to predict the effect of sequence changes on RNA splicing suggest that this variant may create or strengthen a splice site. In summary, the available evidence is currently insufficient to determine the role of this variant in disease. Therefore, it has been classified as a Variant of Uncertain Significance.

NM_001378457.1(DMXL2):c.7808A>G (p.Lys2603Arg)

Gene: DMXL2 (Dmx like 2; minus strand). Cytogenetic location: 15q21.2.
Variant type: single nucleotide variant.
Coding change: c.7808A>G on transcript NM_001378457.1 (MANE Select); coding-DNA position 7808, A replaced by G.
Protein change: p.Lys2603Arg; replaces lysine 2603 with arginine.
Molecular consequence: missense variant. On other transcripts: non-coding transcript variant (1), intron variant (2).
Genome position (GRCh38, 1-based): chr15:51,464,675, T>C on the plus strand (A>G on the coding strand, the complement: DMXL2 is on the minus strand). VCF-style: chr15-51464675-T-C. GRCh37 (hg19) VCF-style: chr15-51756872-T-C.
Other names: c.7808A>G, p.Lys2603Arg (NM_001174116.3, NM_001378461.1); c.5897A>G, p.Lys1966Arg (NM_001174117.3); c.7805A>G, p.Lys2602Arg (NM_001378458.1, NM_001378462.1, NM_015263.5); c.5786A>G, p.Lys1929Arg (NM_001378460.1); c.7565A>G, p.Lys2522Arg (NM_001378464.1); c.7521-1179A>G (NM_001378459.1); c.7606+891A>G (NM_001378463.1); short protein forms K1966R, K2522R, K2603R, K2602R, K1929R.
Identifiers: ClinVar variation 2082801 (VCV002082801.1), dbSNP rs376727318, ClinGen allele CA7561236.
Genomic context (GRCh38, chr15:51,464,675, plus strand): 5'-AAACTGTCTTCCAGAAAAGTTAAGCTACGCTCTTTATCAGCATTATAAGAGCTTTCTTAC[T>C]TGAATGGGGTATTTTCAGGTTCTAGCATTGCTTTATTTCGAAGAATAGCTGGTCCAGCTC-3'
Protein context (NP_001365386.1, residues 2593-2613): AMLEPENTPF[Lys2603Arg]SRDSSAFPVK